The following is an entry in ClinVar:

NM_021224.6(ZNF462):c.1952C>T (p.Ser651Phe)

Gene: ZNF462 (zinc finger protein 462; plus strand). Cytogenetic location: 9q31.2.
Variant type: single nucleotide variant.
Coding change: c.1952C>T on transcript NM_021224.6 (MANE Select); coding-DNA position 1952, C replaced by T.
Protein change: p.Ser651Phe; replaces serine 651 with phenylalanine.
Molecular consequence: missense variant.
Genome position (GRCh38, 1-based): chr9:106,925,864, C>T. VCF-style: chr9-106925864-C-T. GRCh37 (hg19) VCF-style: chr9-109688145-C-T.
Other names: c.1952C>T, p.Ser651Phe (NM_001347997.2); short protein forms S651F.
Identifiers: ClinVar variation 2430562 (VCV002430562.1), dbSNP rs1830173812, ClinGen allele CA374386611.

ClinVar aggregate classification (germline): Uncertain significance (1 of 4 stars; one submission).

Allele frequency attached by ClinVar (database versions not stated): TOPMed below 0.00001.

Submission:

GeneDx
Classification: Uncertain significance. Last evaluated: 2022-08-16. Review status: criteria provided, single submitter. Criteria: GeneDx Variant Classification Process June 2021. Collection method: clinical testing. Allele origin: germline. Affected: yes.
Comment: Not observed at significant frequency in large population cohorts (gnomAD); In silico analysis supports that this missense variant does not alter protein structure/function; Has not been previously published as pathogenic or benign to our knowledge